The following is an entry in ClinVar:

NM_001040108.2(MLH3):c.2683C>T (p.Arg895Cys)

Gene: MLH3 (mutL homolog 3; minus strand). Cytogenetic location: 14q24.3.
Variant type: single nucleotide variant.
Coding change: c.2683C>T on transcript NM_001040108.2 (MANE Select); coding-DNA position 2683, C replaced by T.
Protein change: p.Arg895Cys; replaces arginine 895 with cysteine.
Molecular consequence: missense variant.
Genome position (GRCh38, 1-based): chr14:75,046,973, G>A on the plus strand (C>T on the coding strand, the complement: MLH3 is on the minus strand). VCF-style: chr14-75046973-G-A. GRCh37 (hg19) VCF-style: chr14-75513676-G-A.
Other names: c.2683C>T, p.Arg895Cys (NM_014381.3); short protein forms R895C.
Identifiers: ClinVar variation 1794697 (VCV001794697.5), dbSNP rs780735533, ClinGen allele CA7275656.

ClinVar aggregate classification (germline): Uncertain significance. Review status: criteria provided, multiple submitters, no conflicts (2 of 4 stars). 2 submissions from 2 submitters: Uncertain significance (2). Last evaluated 2024-02-16.

Conditions:
Colorectal cancer, hereditary nonpolyposis, type 7. Identifiers: Orphanet 144, MedGen C1858380, MONDO:0013725, OMIM 614385.

Allele frequency attached by ClinVar (database versions not stated): ExAC 0.00001; gnomAD 0.00001.

Submissions (2):

Ambry Genetics
Classification: Uncertain significance. Last evaluated: 2024-02-16. Review status: criteria provided, single submitter. Criteria: Ambry Variant Classification Scheme 2023. Collection method: clinical testing. Allele origin: germline.
Comment: The p.R895C variant (also known as c.2683C>T), located in coding exon 1 of the MLH3 gene, results from a C to T substitution at nucleotide position 2683. The arginine at codon 895 is replaced by cysteine, an amino acid with highly dissimilar properties. This amino acid position is conserved. In addition, this alteration is predicted to be tolerated by in silico analysis. Since supporting evidence is limited at this time, the clinical significance of this alteration remains unclear.

Labcorp Genetics (formerly Invitae), Labcorp
Classification: Uncertain significance for Colorectal cancer, hereditary nonpolyposis, type 7. Last evaluated: 2023-06-19. Review status: criteria provided, single submitter. Criteria: Invitae Variant Classification Sherloc (09022015). Collection method: clinical testing. Allele origin: germline.
Comment: ClinVar contains an entry for this variant (Variation ID: 1794697). This sequence change replaces arginine, which is basic and polar, with cysteine, which is neutral and slightly polar, at codon 895 of the MLH3 protein (p.Arg895Cys). This variant is present in population databases (rs780735533, gnomAD 0.003%). This variant has not been reported in the literature in individuals affected with MLH3-related conditions. An algorithm developed to predict the effect of missense changes on protein structure and function (PolyPhen-2) suggests that this variant is likely to be tolerated. In summary, the available evidence is currently insufficient to determine the role of this variant in disease. Therefore, it has been classified as a Variant of Uncertain Significance.